The following is an entry in ClinVar:

NM_014141.6(CNTNAP2):c.1897+89A>G

Gene: CNTNAP2 (contactin associated protein 2; plus strand). Cytogenetic location: 7q35.
Variant type: single nucleotide variant.
Coding change: c.1897+89A>G on transcript NM_014141.6 (MANE Select); 89 bases into the intron after coding-DNA position 1897, A replaced by G.
Molecular consequence: intron variant.
Genome position (GRCh38, 1-based): chr7:147,562,346, A>G. VCF-style: chr7-147562346-A-G. GRCh37 (hg19) VCF-style: chr7-147259438-A-G.
Identifiers: ClinVar variation 670633 (VCV000670633.2), dbSNP rs2074714, ClinGen allele CA12550267.

ClinVar aggregate classification (germline): Benign. Review status: criteria provided, multiple submitters, no conflicts (2 of 4 stars). 2 submissions from 2 submitters: Benign (2). Last evaluated 2018-06-14.

Allele frequency attached by ClinVar (database versions not stated): gnomAD exomes 0.65585; gnomAD 0.67542 and 0.67837; 1000 Genomes Project 0.68091; 1000 Genomes Project 30x 0.68473; TOPMed 0.68760.
gnomAD v4.1: 1,012,949 of 1,539,444 alleles (66%); highest among the groups gnomAD compares: African/African-American, 73%; 334,600 homozygotes.

Submissions (2):

GeneDx
Classification: Benign. Last evaluated: 2018-06-14. Review status: criteria provided, single submitter. Criteria: GeneDx Variant Classification (06012015). Collection method: clinical testing. Allele origin: germline. Affected: yes.
Comment: This variant is considered likely benign or benign based on one or more of the following criteria: it is a conservative change, it occurs at a poorly conserved position in the protein, it is predicted to be benign by multiple in silico algorithms, and/or has population frequency not consistent with disease.

Breakthrough Genomics
Classification: Benign. Review status: criteria provided, single submitter. Criteria: ACMG Guidelines, 2015. Collection method: not provided. Allele origin: germline. Inheritance: Autosomal recessive inheritance. Affected: yes.